The following is an entry in ClinVar:

ClinVar aggregate classification (germline): Conflicting classifications of pathogenicity. Review status: criteria provided, conflicting classifications (1 of 4 stars). 2 submissions from 2 submitters: Uncertain significance (1); Likely benign (1). Last evaluated 2024-02-03.

Conditions:
Maturity-onset diabetes of the young (MODY). Also called: Maturity onset diabetes mellitus in young. Identifiers: Orphanet 552, MedGen C0342276, MONDO:0018911, HP:0004904.

Submissions (2):

Labcorp Genetics (formerly Invitae), Labcorp
Classification: Likely benign. Last evaluated: 2024-02-03. Review status: criteria provided, single submitter. Criteria: Invitae Variant Classification Sherloc (09022015). Collection method: clinical testing. Allele origin: germline.

Clinical Genomics, Uppaluri K&H Personalized Medicine Clinic
Classification: Uncertain significance for Maturity-onset diabetes of the young. Review status: criteria provided, single submitter. Criteria: K&H Uppaluri Personalized Medicine Clinic Variant Classification & Assertion Criteria. Collection method: research. Allele origin: somatic. Inheritance: Autosomal dominant inheritance.
Comment: Mutations in KCNJ11 gene can cause decreased production and secretion of insulin. This can lead to MODY which may be responsive to oral sulfonylureas. It is also associated with with Neonatal Diabetes. However, no sufficient evidence is found to ascertain the role of rs770408379 variant in MODY yet.

Literature cited by the submitters: PubMed 26448950 (cited by Clinical Genomics, Uppaluri K&H Personalized Medicine Clinic); PubMed 15580558 (cited by Clinical Genomics, Uppaluri K&H Personalized Medicine Clinic); PubMed 15718250 (cited by Clinical Genomics, Uppaluri K&H Personalized Medicine Clinic); PubMed 32935446 (cited by Clinical Genomics, Uppaluri K&H Personalized Medicine Clinic); PubMed 22701567 (cited by Clinical Genomics, Uppaluri K&H Personalized Medicine Clinic).

NM_000525.4(KCNJ11):c.1017G>A (p.Val339=)

Gene: KCNJ11 (potassium inwardly rectifying channel subfamily J member 11; minus strand). Cytogenetic location: 11p15.1.
Variant type: single nucleotide variant.
Coding change: c.1017G>A on transcript NM_000525.4 (MANE Select); coding-DNA position 1017, G replaced by A.
Protein change: p.Val339=; no amino-acid change (valine 339 retained).
Molecular consequence: synonymous variant.
Genome position (GRCh38, 1-based): chr11:17,387,075, C>T on the plus strand (G>A on the coding strand, the complement: KCNJ11 is on the minus strand). VCF-style: chr11-17387075-C-T. GRCh37 (hg19) VCF-style: chr11-17408622-C-T.
Other names: c.756G>A, p.Val252= (NM_001166290.2, NM_001377296.1, NM_001377297.1).
Identifiers: ClinVar variation 1607360 (VCV001607360.8), dbSNP rs770408379, ClinGen allele CA5902200.